The following is an entry in ClinVar:

NM_001145809.2(MYH14):c.2826+3G>A

Gene: MYH14 (myosin heavy chain 14; plus strand). Cytogenetic location: 19q13.33.
Variant type: single nucleotide variant.
Coding change: c.2826+3G>A on transcript NM_001145809.2 (MANE Select); 3 bases into the intron after coding-DNA position 2826, G replaced by A.
Molecular consequence: intron variant.
Genome position (GRCh38, 1-based): chr19:50,267,011, G>A. VCF-style: chr19-50267011-G-A. GRCh37 (hg19) VCF-style: chr19-50770268-G-A.
Other names: c.2727+3G>A (NM_001077186.2); c.2703+3G>A (NM_024729.4).
Identifiers: ClinVar variation 1895674 (VCV001895674.5), dbSNP rs765284611, ClinGen allele CA9593051.

ClinVar aggregate classification (germline): Uncertain significance (1 of 4 stars; one submission).

Allele frequency attached by ClinVar (database versions not stated): gnomAD 0.00001; gnomAD exomes 0.00001; TOPMed 0.00003.
gnomAD v4.1: 13 of 1,556,742 alleles (0.00084%); highest among the groups gnomAD compares: Admixed American, 0.025%; no homozygotes.

Submission:

Labcorp Genetics (formerly Invitae), Labcorp
Classification: Uncertain significance. Last evaluated: 2025-09-25. Review status: criteria provided, single submitter. Criteria: Invitae Variant Classification Sherloc (09022015). Collection method: clinical testing. Allele origin: germline.
Comment: This sequence change falls in intron 21 of the MYH14 gene. It does not directly change the encoded amino acid sequence of the MYH14 protein. It affects a nucleotide within the consensus splice site. This variant is present in population databases (rs765284611, gnomAD 0.04%), and has an allele count higher than expected for a pathogenic variant. This variant has not been reported in the literature in individuals affected with MYH14-related conditions. ClinVar contains an entry for this variant (Variation ID: 1895674). Variants that disrupt the consensus splice site are a relatively common cause of aberrant splicing (PMID: 17576681, 9536098). Algorithms developed to predict the effect of sequence changes on RNA splicing suggest that this variant is not likely to affect RNA splicing. In summary, the available evidence is currently insufficient to determine the role of this variant in disease. Therefore, it has been classified as a Variant of Uncertain Significance.

Literature cited by the submitters: PubMed 17576681; PubMed 9536098.